The following is an entry in ClinVar:

ClinVar aggregate classification (germline): Uncertain significance. Review status: criteria provided, multiple submitters, no conflicts (2 of 4 stars). 2 submissions from 2 submitters: Uncertain significance (2). Last evaluated 2026-02-21.

Allele frequency attached by ClinVar (database versions not stated): ESP Exome Variant Server 0.00008; gnomAD 0.00011; TOPMed 0.00017; ExAC 0.00023; 1000 Genomes Project 0.00040; 1000 Genomes Project 30x 0.00047.
gnomAD v4.1: 131 of 1,596,556 alleles (0.0082%); highest among the groups gnomAD compares: Admixed American, 0.052%; no homozygotes.

Submissions (2):

GeneDx
Classification: Uncertain significance. Last evaluated: 2026-02-21. Review status: criteria provided, single submitter. Criteria: GeneDx Variant Classification Process June 2021. Collection method: clinical testing. Allele origin: germline.
Comment: Reported as a heterozygous variant in a patient with Kallmann syndrome in published literature; however, variants in other genes were also identified in this individual and no further clinical information was provided (PMID: 39308770); In silico analysis suggests that this missense variant does not alter protein structure/function; This variant is associated with the following publications: (PMID: 39308770)

Ambry Genetics
Classification: Uncertain significance. Last evaluated: 2024-05-15. Review status: criteria provided, single submitter. Criteria: Ambry Variant Classification Scheme 2023. Collection method: clinical testing. Allele origin: germline.

NM_032242.4(PLXNA1):c.2564G>A (p.Arg855His)

Gene: PLXNA1 (plexin A1; plus strand). Cytogenetic location: 3q21.3.
Variant type: single nucleotide variant.
Coding change: c.2564G>A on transcript NM_032242.4 (MANE Select); coding-DNA position 2564, G replaced by A.
Protein change: p.Arg855His; replaces arginine 855 with histidine.
Molecular consequence: missense variant.
Genome position (GRCh38, 1-based): chr3:127,014,335, G>A. VCF-style: chr3-127014335-G-A. GRCh37 (hg19) VCF-style: chr3-126733178-G-A.
Other names: short protein forms R855H.
Identifiers: ClinVar variation 2372493 (VCV002372493.4), dbSNP rs374903793, ClinGen allele CA2593665.